The following is an entry in ClinVar:

NM_201384.3(PLEC):c.5891_5899dup (p.Gln1964_Glu1966dup)

Gene: PLEC (plectin; minus strand). Cytogenetic location: 8q24.3.
Variant type: Duplication.
Coding change: c.5891_5899dup on transcript NM_201384.3 (MANE Select); coding-DNA positions 5891 to 5899, 9 bases duplicated (AGGCCGAGC; older notation c.5891_5899dupAGGCCGAGC).
Protein change: p.Gln1964_Glu1966dup.
Molecular consequence: inframe insertion.
Genome position (GRCh38, 1-based): chr8:143,924,030-143,924,038, GCTCGGCCT duplicated on the plus strand (AGGCCGAGC on the coding strand, the reverse complement: PLEC is on the minus strand); duplicating any 9 consecutive bases within chr8:143,924,030-143,924,042 gives the same sequence; the c. name uses the placement nearest the transcript's 3' end. VCF-style (leftmost placement, unchanged base first): chr8-143924029-A-AGCTCGGCCT. GRCh37 (hg19) VCF-style: chr8-144998197-A-AGCTCGGCCT.
Other names: c.5972_5980dup, p.Gln1991_Glu1993dup (NM_000445.5); c.5849_5857dup, p.Gln1950_Glu1952dup (NM_201378.4); c.5825_5833dup, p.Gln1942_Glu1944dup (NM_201379.3); c.6302_6310dup, p.Gln2101_Glu2103dup (NM_201380.4); c.5795_5803dup, p.Gln1932_Glu1934dup (NM_201381.3); c.5891_5899dup, p.Gln1964_Glu1966dup (NM_201382.4); c.5903_5911dup, p.Gln1968_Glu1970dup (NM_201383.3).
Identifiers: ClinVar variation 949938 (VCV000949938.7), dbSNP rs1823955903, ClinGen allele CA1139660792.

ClinVar aggregate classification (germline): Uncertain significance (1 of 4 stars; one submission).

Conditions:
Epidermolysis bullosa simplex 5C, with pyloric atresia (EBS5C). Also called: PLEC-Related Epidermolysis Bullosa with Pyloric Atresia; Epidermolysis bullosa simplex with pyloric atresia; PLEC1-Related Epidermolysis Bullosa with Pyloric Atresia. Identifiers: Orphanet 158684, MedGen C2677349, MONDO:0012807, OMIM 612138.
Epidermolysis bullosa simplex 5B, with muscular dystrophy (EBS5B). Also called: Epidermolysis bullosa simplex with muscular dystrophy; EPIDERMOLYSIS BULLOSA SIMPLEX AND LIMB-GIRDLE MUSCULAR DYSTROPHY. Identifiers: Orphanet 257, MedGen C2931072, MONDO:0009181, OMIM 226670.
Epidermolysis bullosa simplex, Ogna type (EBS5A). Also called: Pidermolysis bullosa simplex 5A, Ogna type; EPIDERMOLYSIS BULLOSA SIMPLEX 5A, OGNA TYPE. Identifiers: Orphanet 79401, MedGen C0432317, MONDO:0007555, OMIM 131950.
Autosomal recessive limb-girdle muscular dystrophy type 2Q (LGMDR17). Also called: MUSCULAR DYSTROPHY, LIMB-GIRDLE, AUTOSOMAL RECESSIVE 17. Identifiers: Orphanet 254361, MedGen C3150989, MONDO:0013390, OMIM 613723.
Epidermolysis bullosa simplex with nail dystrophy (EBS5D). Identifiers: MedGen C4225309, MONDO:0014661, OMIM 616487.

Submission:

Labcorp Genetics (formerly Invitae), Labcorp
Classification: Uncertain significance for Autosomal recessive limb-girdle muscular dystrophy type 2Q; Epidermolysis bullosa simplex, Ogna type; Epidermolysis bullosa simplex with nail dystrophy; Epidermolysis bullosa simplex 5C, with pyloric atresia; Epidermolysis bullosa simplex 5B, with muscular dystrophy. Last evaluated: 2019-03-29. Review status: criteria provided, single submitter. Criteria: Invitae Variant Classification Sherloc (09022015). Collection method: clinical testing. Allele origin: germline.
Comment: This variant is not present in population databases (ExAC no frequency). This variant, c.5972_5980dup, results in the insertion of 3 amino acid(s) to the PLEC protein (p.Gln1991_Glu1993dup), but otherwise preserves the integrity of the reading frame. This variant has not been reported in the literature in individuals with PLEC-related conditions. In summary, the available evidence is currently insufficient to determine the role of this variant in disease. Therefore, it has been classified as a Variant of Uncertain Significance. Experimental studies and prediction algorithms are not available for this variant, and the functional significance of the affected amino acid(s) is currently unknown.